The following is an entry in ClinVar:

NM_001286445.3(RIPOR2):c.1164+366G>A

Gene: RIPOR2 (RHO family interacting cell polarization regulator 2; minus strand). Cytogenetic location: 6p22.3.
Variant type: single nucleotide variant.
Coding change: c.1164+366G>A on transcript NM_001286445.3 (MANE Select); 366 bases into the intron after coding-DNA position 1164, G replaced by A.
Molecular consequence: intron variant. On other transcripts: synonymous variant (1).
Genome position (GRCh38, 1-based): chr6:24,847,659, C>T on the plus strand (G>A on the coding strand, the complement: RIPOR2 is on the minus strand). VCF-style: chr6-24847659-C-T. GRCh37 (hg19) VCF-style: chr6-24847887-C-T.
Other names: c.1110G>A, p.Arg370= (NM_014722.5); c.1077+366G>A (NM_001346031.2, NM_001346032.2, NM_015864.5 and 1 more transcripts); c.1179+366G>A (NM_001286446.3).
Identifiers: ClinVar variation 515078 (VCV000515078.5), dbSNP rs1027484347, ClinGen allele CA136179615.

ClinVar aggregate classification (germline): Likely benign. Review status: criteria provided, multiple submitters, no conflicts (2 of 4 stars). 2 submissions from 2 submitters: Likely benign (2). Last evaluated 2022-09-15.

Allele frequency attached by ClinVar (database versions not stated): gnomAD exomes below 0.00001 and 0.00001; gnomAD 0.00001; TOPMed 0.00001.
gnomAD v4.1: 19 of 1,551,614 alleles (0.0012%); highest among the groups gnomAD compares: East Asian, 0.017%; no homozygotes.

Submissions (2):

Labcorp Genetics (formerly Invitae), Labcorp
Classification: Likely benign. Last evaluated: 2022-09-15. Review status: criteria provided, single submitter. Criteria: Invitae Variant Classification Sherloc (09022015). Collection method: clinical testing. Allele origin: germline.

GeneDx
Classification: Likely benign. Last evaluated: 2018-02-01. Review status: criteria provided, single submitter. Criteria: GeneDx Variant Classification (06012015). Collection method: clinical testing. Allele origin: germline. Affected: yes.
Comment: This variant is considered likely benign or benign based on one or more of the following criteria: it is a conservative change, it occurs at a poorly conserved position in the protein, it is predicted to be benign by multiple in silico algorithms, and/or has population frequency not consistent with disease.